The following is an entry in ClinVar:

NM_001244710.2(GFPT1):c.124T>G (p.Phe42Val)

Gene: GFPT1 (glutamine--fructose-6-phosphate transaminase 1; minus strand). Cytogenetic location: 2p13.3.
Variant type: single nucleotide variant.
Coding change: c.124T>G on transcript NM_001244710.2 (MANE Select); coding-DNA position 124, T replaced by G.
Protein change: p.Phe42Val; replaces phenylalanine 42 with valine.
Molecular consequence: missense variant.
Genome position (GRCh38, 1-based): chr2:69,370,100, A>C on the plus strand (T>G on the coding strand, the complement: GFPT1 is on the minus strand). VCF-style: chr2-69370100-A-C. GRCh37 (hg19) VCF-style: chr2-69597232-A-C.
Other names: c.124T>G, p.Phe42Val (NM_002056.4); short protein forms F42V.
Identifiers: ClinVar variation 962927 (VCV000962927.9), dbSNP rs948398303, ClinGen allele CA49537444.

ClinVar aggregate classification (germline): Uncertain significance (1 of 4 stars; one submission).

Conditions:
Congenital myasthenic syndrome 12 (CMS12). Also called: Myasthenia, congenital, 12, with tubular aggregates; MYASTHENIC SYNDROME, CONGENITAL, WITH TUBULAR AGGREGATES 1. Identifiers: Orphanet 353327, Orphanet 590, MedGen C3552335, MONDO:0012518, OMIM 610542.

Allele frequency attached by ClinVar (database versions not stated): gnomAD exomes below 0.00001 and 0.00001; TOPMed 0.00007; gnomAD 0.00011 and 0.00012.
gnomAD v4.1: 19 of 1,597,948 alleles (0.0012%); highest among the groups gnomAD compares: African/African-American, 0.023%; no homozygotes.

Submission:

Labcorp Genetics (formerly Invitae), Labcorp
Classification: Uncertain significance for Congenital myasthenic syndrome 12. Last evaluated: 2025-05-07. Review status: criteria provided, single submitter. Criteria: Invitae Variant Classification Sherloc (09022015). Collection method: clinical testing. Allele origin: germline.
Comment: This sequence change replaces phenylalanine, which is neutral and non-polar, with valine, which is neutral and non-polar, at codon 42 of the GFPT1 protein (p.Phe42Val). This variant is present in population databases (no rsID available, gnomAD 0.03%). This variant has not been reported in the literature in individuals affected with GFPT1-related conditions. ClinVar contains an entry for this variant (Variation ID: 962927). Invitae Evidence Modeling of protein sequence and biophysical properties (such as structural, functional, and spatial information, amino acid conservation, physicochemical variation, residue mobility, and thermodynamic stability) indicates that this missense variant is not expected to disrupt GFPT1 protein function with a negative predictive value of 80%. In summary, the available evidence is currently insufficient to determine the role of this variant in disease. Therefore, it has been classified as a Variant of Uncertain Significance.